The following is an entry in ClinVar:

NM_007294.4(BRCA1):c.4843G>C (p.Ala1615Pro)

Gene: BRCA1 (BRCA1 DNA repair associated; minus strand). Cytogenetic location: 17q21.31.
Variant type: single nucleotide variant.
Coding change: c.4843G>C on transcript NM_007294.4 (MANE Select); coding-DNA position 4843, G replaced by C.
Protein change: p.Ala1615Pro; replaces alanine 1615 with proline.
Molecular consequence: missense variant. On other transcripts: non-coding transcript variant (1).
Genome position (GRCh38, 1-based): chr17:43,071,071, C>G on the plus strand (G>C on the coding strand, the complement: BRCA1 is on the minus strand). VCF-style: chr17-43071071-C-G. GRCh37 (hg19) VCF-style: chr17-41223088-C-G.
Other names: c.1534G>C, p.Ala512Pro (NM_001407975.1, NM_001407976.1, NM_001407977.1 and 3 more transcripts); c.1531G>C, p.Ala511Pro (NM_001407979.1, NM_001407980.1, NM_001407981.1 and 13 more transcripts); c.4630G>C, p.Ala1544Pro (NM_001407571.1, NM_001407902.1, NM_001407904.1 and 12 more transcripts); c.4909G>C, p.Ala1637Pro (NM_001407581.1, NM_001407582.1); c.4906G>C, p.Ala1636Pro (NM_001407583.1, NM_001407585.1, NM_001407587.1 and 1 more transcripts); c.4903G>C, p.Ala1635Pro (NM_001407590.1, NM_001407591.1); c.4843G>C, p.Ala1615Pro (NM_001407593.1, NM_001407594.1, NM_001407596.1 and 8 more transcripts); c.4840G>C, p.Ala1614Pro (NM_001407610.1, NM_001407611.1, NM_001407612.1 and 17 more transcripts); and 70 more; short protein forms A511P, A1568P, A1615P, A1636P, A1318P, A1446P, A1461P, A1527P.
Identifiers: ClinVar variation 825223 (VCV000825223.10), dbSNP rs80356987, ClinGen allele CA10591839.
Genomic context (GRCh38, chr17:43,071,071, plus strand): 5'-CCCTGCTCACACTTTCTTCCATTGCATTATACCCAGCAGTATCAGTAGTATGAGCAGCAG[C>G]TGGACTCTGGGCAGATTCTGCAACTTTCAATTGGGGAACTTTCAATGCAGAGGTTGAAGA-3'
Protein context (NP_009225.1, residues 1605-1625): LKVAESAQSP[Ala1615Pro]AAHTTDTAGY

ClinVar aggregate classification (germline): Conflicting classifications of pathogenicity. Review status: criteria provided, conflicting classifications (1 of 4 stars). 4 submissions from 4 submitters: Uncertain significance (3); Likely benign (1). Last evaluated 2025-06-24.

Conditions:
Hereditary cancer-predisposing syndrome. Also called: Hereditary Cancer Syndrome; Hereditary neoplastic syndrome; Neoplastic Syndromes, Hereditary; Tumor predisposition. Identifiers: Orphanet 140162, MedGen C0027672, MeSH D009386, MONDO:0015356.
Hereditary breast ovarian cancer syndrome. Also called: BRCA1- and BRCA2-Associated Hereditary Breast and Ovarian Cancer; Hereditary breast and ovarian cancer syndrome (HBOC); Hereditary breast and ovarian cancer syndrome; Breast and ovarian cancer; Hereditary breast and ovarian cancer; Hereditary breast and/or ovarian cancer syndrome. Identifiers: Orphanet 145, MedGen C0677776, MeSH D061325, MONDO:0003582. Disease mechanism: loss of function.
Breast-ovarian cancer, familial, susceptibility to, 1 (BROVCA1). Also called: OVARIAN CANCER, SUSCEPTIBILITY TO; BRCA1 Hereditary Breast and Ovarian Cancer. Identifiers: Orphanet 145, MedGen C2676676, MONDO:0011450, OMIM 604370. Disease mechanism: loss of function.

Submissions (4):

Color Diagnostics, LLC DBA Color Health
Classification: Uncertain significance for Hereditary cancer-predisposing syndrome. Last evaluated: 2025-06-24. Review status: criteria provided, single submitter. Criteria: ACMG Guidelines, 2015. Collection method: clinical testing. Allele origin: germline.
Comment: This missense variant replaces alanine with proline at codon 1615 of the BRCA1 protein. Computational prediction suggests that this variant may not impact protein structure and function. To our knowledge, functional studies have not been reported for this variant. This variant has not been reported in individuals affected with BRCA1-related disorders in the literature. This variant has not been identified in the general population by the Genome Aggregation Database (gnomAD). The available evidence is insufficient to determine the role of this variant in disease conclusively. Therefore, this variant is classified as a Variant of Uncertain Significance.

Molecular Pathology, Peter Maccallum Cancer Centre
Classification: Likely benign for Breast-ovarian cancer, familial, susceptibility to, 1. Last evaluated: 2025-05-06. Review status: criteria provided, single submitter. Criteria: ACMG Guidelines, 2015. Collection method: clinical testing. Allele origin: germline. Inheritance: Autosomal dominant inheritance.

Labcorp Genetics (formerly Invitae), Labcorp
Classification: Uncertain significance for Hereditary breast ovarian cancer syndrome. Last evaluated: 2024-01-31. Review status: criteria provided, single submitter. Criteria: Invitae Variant Classification Sherloc (09022015). Collection method: clinical testing. Allele origin: germline.
Comment: This sequence change replaces alanine, which is neutral and non-polar, with proline, which is neutral and non-polar, at codon 1615 of the BRCA1 protein (p.Ala1615Pro). This variant is not present in population databases (gnomAD no frequency). This variant has not been reported in the literature in individuals affected with BRCA1-related conditions. ClinVar contains an entry for this variant (Variation ID: 825223). Advanced modeling of protein sequence and biophysical properties (such as structural, functional, and spatial information, amino acid conservation, physicochemical variation, residue mobility, and thermodynamic stability) performed at Invitae indicates that this missense variant is not expected to disrupt BRCA1 protein function with a negative predictive value of 95%. In summary, the available evidence is currently insufficient to determine the role of this variant in disease. Therefore, it has been classified as a Variant of Uncertain Significance.

Ambry Genetics
Classification: Uncertain significance for Hereditary cancer-predisposing syndrome. Last evaluated: 2019-03-29. Review status: criteria provided, single submitter. Criteria: Ambry Variant Classification Scheme 2023. Collection method: clinical testing. Allele origin: germline.
Comment: The p.A1615P variant (also known as c.4843G>C), located in coding exon 14 of the BRCA1 gene, results from a G to C substitution at nucleotide position 4843. The alanine at codon 1615 is replaced by proline, an amino acid with highly similar properties. This amino acid position is well conserved in available vertebrate species. In addition, the in silico prediction for this alteration is inconclusive. Since supporting evidence is limited at this time, the clinical significance of this alteration remains unclear.